The following is an entry in ClinVar:

ClinVar aggregate classification (germline): Uncertain significance. Review status: criteria provided, multiple submitters, no conflicts (2 of 4 stars). 2 submissions from 2 submitters: Uncertain significance (2). Last evaluated 2025-12-02.

Conditions:
Charcot-Marie-Tooth disease type 2. Also called: Charcot-Marie-Tooth type 2. Identifiers: Orphanet 64746, MedGen C0270914, MONDO:0018993.

Allele frequency attached by ClinVar (database versions not stated): gnomAD exomes below 0.00001.
gnomAD v4.1: 1 of 1,614,186 alleles (0.000062%); highest among the groups gnomAD compares: Non-Finnish European, 0.000085%; no homozygotes.

Submissions (2):

Ambry Genetics
Classification: Uncertain significance. Last evaluated: 2025-12-02. Review status: criteria provided, single submitter. Criteria: Ambry Variant Classification Scheme 2023. Collection method: clinical testing. Allele origin: germline.
Comment: The p.Q1705* variant (also known as c.5113C>T), located in coding exon 44 of the KIF1B gene, results from a C to T substitution at nucleotide position 5113. This changes the amino acid from a glutamine to a stop codon within coding exon 44. The evidence for this gene-disease relationship is limited; therefore, the clinical significance of this alteration is unclear.

Labcorp Genetics (formerly Invitae), Labcorp
Classification: Uncertain significance for Charcot-Marie-Tooth disease type 2. Last evaluated: 2022-03-07. Review status: criteria provided, single submitter. Criteria: Invitae Variant Classification Sherloc (09022015). Collection method: clinical testing. Allele origin: germline.
Comment: This sequence change creates a premature translational stop signal (p.Gln1705*) in the KIF1B gene. It is expected to result in an absent or disrupted protein product. However, the current clinical and genetic evidence is not sufficient to establish whether loss-of-function variants in KIF1B cause disease. This variant is not present in population databases (gnomAD no frequency). This variant has not been reported in the literature in individuals affected with KIF1B-related conditions. Algorithms developed to predict the effect of sequence changes on RNA splicing suggest that this variant may disrupt the consensus splice site. In summary, the available evidence is currently insufficient to determine the role of this variant in disease. Therefore, it has been classified as a Variant of Uncertain Significance.

NM_001365951.3(KIF1B):c.5251C>T (p.Gln1751Ter)

Gene: KIF1B (kinesin family member 1B; plus strand). Cytogenetic location: 1p36.22.
Variant type: single nucleotide variant.
Coding change: c.5251C>T on transcript NM_001365951.3 (MANE Select); coding-DNA position 5251, C replaced by T.
Protein change: p.Gln1751Ter; replaces glutamine 1751 with a stop codon.
Molecular consequence: nonsense.
Genome position (GRCh38, 1-based): chr1:10,375,008, C>T. VCF-style: chr1-10375008-C-T. GRCh37 (hg19) VCF-style: chr1-10435066-C-T.
Other names: c.5251C>T, p.Gln1751Ter (NM_001365952.1); c.5113C>T, p.Gln1705Ter (NM_015074.3); short protein forms Q1751*, Q1705*.
Identifiers: ClinVar variation 1358465 (VCV001358465.7), dbSNP rs2102363451, ClinGen allele CA338330899.